The following is an entry in ClinVar:

NM_033380.3(COL4A5):c.2578G>C (p.Gly860Arg)

Gene: COL4A5 (collagen type IV alpha 5 chain; plus strand). Cytogenetic location: Xq22.3.
Variant type: single nucleotide variant.
Coding change: c.2578G>C on transcript NM_033380.3 (MANE Select); coding-DNA position 2578, G replaced by C.
Protein change: p.Gly860Arg; replaces glycine 860 with arginine.
Molecular consequence: missense variant.
Genome position (GRCh38, 1-based): chrX:108,620,327, G>C. VCF-style: chrX-108620327-G-C. GRCh37 (hg19) VCF-style: chrX-107863557-G-C.
Other names: c.2578G>C, p.Gly860Arg (NM_000495.5); c.2578G>C (NM_000495.4); short protein forms G860R.
Identifiers: ClinVar variation 3356563 (VCV003356563.2), dbSNP rs281874697.
Genomic context (GRCh38, chrX:108,620,327, plus strand): 5'-GGAATACCAGGAGAGAAGGGGGATCCAGGACCTCCTGGACTTGATGTTCCAGGACCCCCA[G>C]GTGAAAGAGGCAGTCCAGGGATCCCCGGAGCACCTGGTCCTATAGGACCTCCAGGATCAC-3'
Protein context (NP_203699.1, residues 850-870): PPGLDVPGPP[Gly860Arg]ERGSPGIPGA

ClinVar aggregate classification (germline): Pathogenic. Review status: criteria provided, single submitter (1 of 4 stars). 2 submissions from 2 submitters: Pathogenic (1). 1 of the submissions does not count toward it. Last evaluated 2024-05-28.

Conditions:
X-linked Alport syndrome (ATS1). Also called: COL4A5-Related Nephropathy; NEPHROPATHY AND DEAFNESS, X-LINKED. Identifiers: Orphanet 63, Orphanet 88917, MedGen C4746986, MONDO:0010520, OMIM 301050.
COL4A5-related disorder. Also called: COL4A5-related condition.

Submissions (2):

Fulgent Genetics
Classification: Pathogenic for X-linked Alport syndrome. Last evaluated: 2024-05-28. Review status: criteria provided, single submitter. Criteria: ACMG Guidelines, 2015. Collection method: clinical testing. Allele origin: germline.

PreventionGenetics, part of Exact Sciences
Classification: Pathogenic for COL4A5-related condition. Last evaluated: 2024-06-11. Review status: no assertion criteria provided. Collection method: clinical testing. Allele origin: germline. Not counted in ClinVar's aggregate classification.
Comment: The COL4A5 c.2578G>C variant is predicted to result in the amino acid substitution p.Gly860Arg. This variant was reported in an individual with Alport syndrome (Supp. Table 1, Family number 67 in Bekheirnia et al 2010. PubMed ID: 20378821). Different substitutions at this same amino acid (p.Gly860Ser, p.Gly860Asp) has also been reported in patients with COL4A5-related disorders (Table S2 in Yamamura et al 2017. PubMed ID: 29270492). The p.Gly860 residue is located in the triple-helical region (residues 42 – 1456) of the COL4A5 protein. The majority of pathogenic variants in COL4A5 substitute a glycine residue to a bulkier amino acid in the triple-helical domain (Hudson et al. 1993. PubMed ID: 8253711). This variant has not been reported in a large population database, indicating this variant is rare. This variant is interpreted as pathogenic.